The following is an entry in ClinVar:

ClinVar aggregate classification (germline): Uncertain significance (1 of 4 stars; one submission).

Submission:

Labcorp Genetics (formerly Invitae), Labcorp
Classification: Uncertain significance. Last evaluated: 2025-04-26. Review status: criteria provided, single submitter. Criteria: Invitae Variant Classification Sherloc (09022015). Collection method: clinical testing. Allele origin: germline.
Comment: This variant occurs in a non-coding region of the PRPF4 gene. It does not change the encoded amino acid sequence of the PRPF4 protein. This variant is not present in population databases (gnomAD no frequency). This variant has not been reported in the literature in individuals affected with PRPF4-related conditions. Experimental studies and prediction algorithms are not available or were not evaluated, and the functional significance of this variant is currently unknown. In summary, the available evidence is currently insufficient to determine the role of this variant in disease. Therefore, it has been classified as a Variant of Uncertain Significance.

NC_000009.12:g.113275654del

Gene: PRPF4 (pre-mRNA splicing tri-snRNP complex factor PRPF4; plus strand). Cytogenetic location: 9q32.
Variant type: Deletion.
Genome position: GRCh38 VCF-style: chr9-113275653-GT-G. GRCh37 (hg19) VCF-style: chr9-116037933-GT-G.
Identifiers: ClinVar variation 4693835 (VCV004693835.1).
Genomic context (GRCh38, chr9:113,275,653, plus strand): 5'-CCGCTCCGGGGGCGGTGACCCCTCTTGGCCCACGTCTTGTCAGTGACGCACTTCCTGTCA[GT>G]GACGCACTTCCCCTCTGCTGGGCGCGCGGTGGACGGTCTGAAAGGGAGTGTTCGGGTTTC-3'